The following is an entry in ClinVar:

NM_000548.5(TSC2):c.3229A>T (p.Thr1077Ser)

Gene: TSC2 (TSC complex subunit 2; plus strand). Cytogenetic location: 16p13.3.
Variant type: single nucleotide variant.
Coding change: c.3229A>T on transcript NM_000548.5 (MANE Select); coding-DNA position 3229, A replaced by T.
Protein change: p.Thr1077Ser; replaces threonine 1077 with serine.
Molecular consequence: missense variant. On other transcripts: non-coding transcript variant (5).
Genome position (GRCh38, 1-based): chr16:2,079,373, A>T. VCF-style: chr16-2079373-A-T. GRCh37 (hg19) VCF-style: chr16-2129374-A-T.
Other names: c.3097A>T, p.Thr1033Ser (NM_001077183.3, NM_001370404.1, NM_001406665.1); c.3229A>T, p.Thr1077Ser (NM_001114382.3); c.2989A>T, p.Thr997Ser (NM_001318827.2); c.2953A>T, p.Thr985Ser (NM_001318829.2); c.2497A>T, p.Thr833Ser (NM_001318831.2, NM_001406687.1, NM_001406688.1); c.3130A>T, p.Thr1044Ser (NM_001318832.2); c.3100A>T, p.Thr1034Ser (NM_001363528.2, NM_001370405.1, NM_021055.3); c.3226A>T, p.Thr1076Ser (NM_001406663.1, NM_001406664.1); and 18 more; short protein forms T1014S, T1027S, T1028S, T1029S, T1030S, T1033S, T1034S, T1040S.
Identifiers: ClinVar variation 3252542 (VCV003252542.1), dbSNP rs2151439654.

ClinVar aggregate classification (germline): Uncertain significance (1 of 4 stars; one submission).

Submission:

GeneDx
Classification: Uncertain significance. Last evaluated: 2023-06-13. Review status: criteria provided, single submitter. Criteria: GeneDx Variant Classification Process June 2021. Collection method: clinical testing. Allele origin: germline. Affected: yes.
Comment: Not observed at significant frequency in large population cohorts (gnomAD); In silico analysis supports that this missense variant does not alter protein structure/function; Has not been previously published as pathogenic or benign to our knowledge